The following is an entry in ClinVar:

NM_001253697.2(ERBIN):c.4193T>C (p.Phe1398Ser)

Gene: ERBIN (erbb2 interacting protein; plus strand). Cytogenetic location: 5q12.3.
Variant type: single nucleotide variant.
Coding change: c.4193T>C on transcript NM_001253697.2 (MANE Select); coding-DNA position 4193, T replaced by C.
Protein change: p.Phe1398Ser; replaces phenylalanine 1398 with serine.
Molecular consequence: missense variant.
Genome position (GRCh38, 1-based): chr5:66,078,484, T>C. VCF-style: chr5-66078484-T-C. GRCh37 (hg19) VCF-style: chr5-65374312-T-C.
Other names: c.3863T>C, p.Phe1288Ser (NM_001006600.3); c.3995T>C, p.Phe1332Ser (NM_001253698.2); c.4214T>C, p.Phe1405Ser (NM_001253699.2); c.4058T>C, p.Phe1353Ser (NM_001253701.2); c.4070T>C, p.Phe1357Ser (NM_018695.4); short protein forms F1332S, F1353S, F1398S, F1357S, F1288S, F1405S.
Identifiers: ClinVar variation 2882016 (VCV002882016.3), dbSNP rs753799243, ClinGen allele CA3286846.

ClinVar aggregate classification (germline): Uncertain significance (1 of 4 stars; one submission).

Allele frequency attached by ClinVar (database versions not stated): gnomAD 0.00002; TOPMed 0.00002; ExAC 0.00001.
gnomAD v4.1: 13 of 1,601,010 alleles (0.00081%); highest among the groups gnomAD compares: Non-Finnish European, 0.001%; no homozygotes.

Submission:

Labcorp Genetics (formerly Invitae), Labcorp
Classification: Uncertain significance. Last evaluated: 2025-09-06. Review status: criteria provided, single submitter. Criteria: Invitae Variant Classification Sherloc (09022015). Collection method: clinical testing. Allele origin: germline.
Comment: This sequence change replaces phenylalanine, which is neutral and non-polar, with serine, which is neutral and polar, at codon 1398 of the ERBIN protein (p.Phe1398Ser). This variant is not present in population databases (gnomAD no frequency). This variant has not been reported in the literature in individuals affected with ERBIN-related conditions. ClinVar contains an entry for this variant (Variation ID: 2882016). An algorithm developed to predict the effect of missense changes on protein structure and function (PolyPhen-2) suggests that this variant is likely to be disruptive. In summary, the available evidence is currently insufficient to determine the role of this variant in disease. Therefore, it has been classified as a Variant of Uncertain Significance.